The following is an entry in ClinVar:

NM_032043.3(BRIP1):c.752G>A (p.Arg251His)

Gene: BRIP1 (BRCA1 interacting DNA helicase 1; minus strand). Cytogenetic location: 17q23.2.
Variant type: single nucleotide variant.
Coding change: c.752G>A on transcript NM_032043.3 (MANE Select); coding-DNA position 752, G replaced by A.
Protein change: p.Arg251His; replaces arginine 251 with histidine.
Molecular consequence: missense variant.
Genome position (GRCh38, 1-based): chr17:61,808,633, C>T on the plus strand (G>A on the coding strand, the complement: BRIP1 is on the minus strand). VCF-style: chr17-61808633-C-T. GRCh37 (hg19) VCF-style: chr17-59885994-C-T.
Other names: short protein forms R251H.
Identifiers: ClinVar variation 232270 (VCV000232270.22), dbSNP rs780834054, ClinGen allele CA8690849.
Genomic context (GRCh38, chr17:61,808,633, plus strand): 5'-ACCCCTGAATATGCCGTCCTCCGGAGCTCTCTAGTAATCTGAGCAATCTGCTTGTGTGTG[C>T]GTGTCCCAAAATATATTTTGGGTATCTTGGATTTCCCTGTATGATCCTTCTTAATGGTAT-3'
Protein context (NP_114432.2, residues 241-261): SKIPKIYFGT[Arg251His]THKQIAQITR

ClinVar aggregate classification (germline): Uncertain significance. Review status: criteria provided, multiple submitters, no conflicts (2 of 4 stars). 7 submissions from 7 submitters: Uncertain significance (7). Last evaluated 2026-08-06.

Conditions:
Hereditary cancer-predisposing syndrome. Also called: Neoplastic Syndromes, Hereditary; Tumor predisposition; Hereditary Cancer Syndrome; Hereditary neoplastic syndrome. Identifiers: Orphanet 140162, MedGen C0027672, MeSH D009386, MONDO:0015356.
Fanconi anemia complementation group J. Also called: BRIP1-Related Fanconi Anemia. Identifiers: Orphanet 84, MedGen C1836860, MONDO:0012187, OMIM 609054.
Familial cancer of breast. Also called: hereditary breast carcinoma; BREAST CANCER, FAMILIAL; Hereditary breast cancer. Identifiers: Orphanet 227535, MedGen C0346153, MONDO:0016419, OMIM 114480. Disease mechanism: loss of function.

Allele frequency attached by ClinVar (database versions not stated): TOPMed below 0.00001; gnomAD 0.00001; ExAC 0.00002; gnomAD exomes 0.00002.
gnomAD v4.1: 16 of 1,613,738 alleles (0.00099%); highest among the groups gnomAD compares: East Asian, 0.0022%; no homozygotes.

Submissions (7):

OLLIN Analises Genomicas, OLLIN
Classification: Uncertain significance for Familial cancer of breast. Last evaluated: 2026-08-06. Review status: criteria provided, single submitter. Criteria: ACMG Guidelines 2015 PMID 25741868. Collection method: clinical testing. Allele origin: germline.
Comment: This missense variant, located in exon 7 (of 20), has been reported in ClinVar (accession VCV000232270.21), in gnomAD with an allele frequency of 0.00099%, and in the scientific literature in individuals with BRIP1 related disorders (PMID: 23613520, 26556299, 27427815, 31558676, 31586946). In silico analysis predicts that this variant has a deleterious effect. Another pathogenic variant affecting the same amino acid residue has been reported (PMID: 23613520, 26556299, 27427815, 31558676, 31586946). According to the currently available evidence, this variant has been classified as uncertain significance (PM5, PP3_M).

Ambry Genetics
Classification: Uncertain significance for Hereditary cancer-predisposing syndrome. Last evaluated: 2025-10-21. Review status: criteria provided, single submitter. Criteria: Ambry Variant Classification Scheme 2023. Collection method: clinical testing. Allele origin: germline.
Comment: The p.R251H variant (also known as c.752G>A), located in coding exon 6 of the BRIP1 gene, results from a G to A substitution at nucleotide position 752. The arginine at codon 251 is replaced by histidine, an amino acid with highly similar properties. This amino acid position is highly conserved in available vertebrate species. In addition, this alteration is predicted to be deleterious by in silico analysis. Based on the available evidence, the clinical significance of this variant remains unclear.

Labcorp Genetics (formerly Invitae), Labcorp
Classification: Uncertain significance for Familial cancer of breast; Fanconi anemia complementation group J. Last evaluated: 2025-05-26. Review status: criteria provided, single submitter. Criteria: Invitae Variant Classification Sherloc (09022015). Collection method: clinical testing. Allele origin: germline.
Comment: This sequence change replaces arginine, which is basic and polar, with histidine, which is basic and polar, at codon 251 of the BRIP1 protein (p.Arg251His). This variant is present in population databases (rs780834054, gnomAD 0.009%). This missense change has been observed in individual(s) with breast cancer, clinical features of Lynch syndrome, and/or thyroid cancer (PMID: 25980754, 35534704). ClinVar contains an entry for this variant (Variation ID: 232270). Invitae Evidence Modeling of protein sequence and biophysical properties (such as structural, functional, and spatial information, amino acid conservation, physicochemical variation, residue mobility, and thermodynamic stability) has been performed for this missense variant. However, the output from this modeling did not meet the statistical confidence thresholds required to predict the impact of this variant on BRIP1 protein function. In summary, the available evidence is currently insufficient to determine the role of this variant in disease. Therefore, it has been classified as a Variant of Uncertain Significance.

Baylor Genetics
Classification: Uncertain significance for Familial cancer of breast. Last evaluated: 2024-03-14. Review status: criteria provided, single submitter. Criteria: ACMG Guidelines, 2015. Collection method: clinical testing. Allele origin: unknown.

Color Diagnostics, LLC DBA Color Health
Classification: Uncertain significance for Hereditary cancer-predisposing syndrome. Last evaluated: 2019-04-05. Review status: criteria provided, single submitter. Criteria: ACMG Guidelines, 2015. Collection method: clinical testing. Allele origin: germline.

Fulgent Genetics
Classification: Uncertain significance for Familial cancer of breast; Fanconi anemia complementation group J. Last evaluated: 2018-10-31. Review status: criteria provided, single submitter. Criteria: ACMG Guidelines, 2015. Collection method: clinical testing. Allele origin: unknown.

GeneDx
Classification: Uncertain significance. Last evaluated: 2015-11-16. Review status: criteria provided, single submitter. Criteria: GeneDx Variant Classification (06012015). Collection method: clinical testing. Allele origin: germline. Affected: yes.
Comment: This variant has not, to our knowledge, been published in the literature as either a pathogenic variant or a benign polymorphism. BRIP1 Arg251His was not observed in approximately 6,500 individuals of European and African American ancestry in the NHLBI Exome Sequencing Project, indicating it is not a common benign variant in these populations. Since Arginine and Histidine share similar properties, this is considered a conservative amino acid substitution. BRIP1 Arg251His alters a position that is highly conserved across species and is located within the helicase ATP-binding domain (UniProt). In silico analyses predict that this variant is probably damaging to protein structure and function. Based on currently available information, it is unclear whether BRIP1 Arg251His is a pathogenic or a benign variant.

Literature cited by the submitters: PubMed 23613520 (cited by OLLIN Analises Genomicas, OLLIN); PubMed 26556299 (cited by OLLIN Analises Genomicas, OLLIN); PubMed 27427815 (cited by OLLIN Analises Genomicas, OLLIN); PubMed 31558676 (cited by OLLIN Analises Genomicas, OLLIN); PubMed 31586946 (cited by OLLIN Analises Genomicas, OLLIN); PubMed 25980754 (cited by Ambry Genetics and Labcorp Genetics (formerly Invitae), Labcorp); PubMed 29368626 (cited by Ambry Genetics); PubMed 35534704 (cited by Labcorp Genetics (formerly Invitae), Labcorp).